The following is an entry in ClinVar:

NM_020207.7(ERCC6L2):c.2717C>T (p.Pro906Leu)

Gene: ERCC6L2 (ERCC excision repair 6 like 2; plus strand). Cytogenetic location: 9q22.32.
Variant type: single nucleotide variant.
Coding change: c.2717C>T on transcript NM_020207.7 (MANE Select); coding-DNA position 2717, C replaced by T.
Protein change: p.Pro906Leu; replaces proline 906 with leucine.
Molecular consequence: missense variant. On other transcripts: non-coding transcript variant (1).
Genome position (GRCh38, 1-based): chr9:95,972,468, C>T. VCF-style: chr9-95972468-C-T. GRCh37 (hg19) VCF-style: chr9-98734750-C-T.
Other names: c.2717C>T, p.Pro906Leu (NM_001375291.1, NM_001375292.1, NM_001375293.1 and 1 more transcripts); short protein forms P906L.
Identifiers: ClinVar variation 3724790 (VCV003724790.2).

ClinVar aggregate classification (germline): Uncertain significance (1 of 4 stars; one submission).

Submission:

Labcorp Genetics (formerly Invitae), Labcorp
Classification: Uncertain significance. Last evaluated: 2024-11-06. Review status: criteria provided, single submitter. Criteria: Invitae Variant Classification Sherloc (09022015). Collection method: clinical testing. Allele origin: germline.
Comment: This sequence change replaces proline, which is neutral and non-polar, with leucine, which is neutral and non-polar, at codon 917 of the ERCC6L2 protein (p.Pro917Leu). This variant is not present in population databases (gnomAD no frequency). This variant has not been reported in the literature in individuals affected with ERCC6L2-related conditions. Experimental studies and prediction algorithms are not available or were not evaluated, and the functional significance of this variant is currently unknown. In summary, the available evidence is currently insufficient to determine the role of this variant in disease. Therefore, it has been classified as a Variant of Uncertain Significance.